The following is an entry in ClinVar:

NM_031407.7(HUWE1):c.10262C>G (p.Thr3421Ser)

Gene: HUWE1 (HECT, UBA and WWE domain containing E3 ubiquitin protein ligase 1; minus strand). Cytogenetic location: Xp11.22.
Variant type: single nucleotide variant.
Coding change: c.10262C>G on transcript NM_031407.7 (MANE Select); coding-DNA position 10262, C replaced by G.
Protein change: p.Thr3421Ser; replaces threonine 3421 with serine.
Molecular consequence: missense variant.
Genome position (GRCh38, 1-based): chrX:53,548,047, G>C on the plus strand (C>G on the coding strand, the complement: HUWE1 is on the minus strand). VCF-style: chrX-53548047-G-C. GRCh37 (hg19) VCF-style: chrX-53575008-G-C.
Other names: short protein forms T3421S.
Identifiers: ClinVar variation 2811627 (VCV002811627.3), dbSNP rs1556924785, ClinGen allele CA413136176.

ClinVar aggregate classification (germline): Uncertain significance (1 of 4 stars; one submission).

Allele frequency attached by ClinVar (database versions not stated): gnomAD exomes below 0.00001.
gnomAD v4.1: 1 of 1,210,611 alleles (0.000083%); no homozygotes.

Submission:

Labcorp Genetics (formerly Invitae), Labcorp
Classification: Uncertain significance. Last evaluated: 2022-11-02. Review status: criteria provided, single submitter. Criteria: Invitae Variant Classification Sherloc (09022015). Collection method: clinical testing. Allele origin: germline.
Comment: Advanced modeling of protein sequence and biophysical properties (such as structural, functional, and spatial information, amino acid conservation, physicochemical variation, residue mobility, and thermodynamic stability) performed at Invitae indicates that this missense variant is not expected to disrupt HUWE1 protein function. In summary, the available evidence is currently insufficient to determine the role of this variant in disease. Therefore, it has been classified as a Variant of Uncertain Significance. This variant has not been reported in the literature in individuals affected with HUWE1-related conditions. The frequency data for this variant in the population databases is considered unreliable, as metrics indicate poor data quality at this position in the gnomAD database. This sequence change replaces threonine, which is neutral and polar, with serine, which is neutral and polar, at codon 3421 of the HUWE1 protein (p.Thr3421Ser).